The following is an entry in ClinVar:

NM_004629.2(FANCG):c.1433+5G>T

Gene: FANCG (FA complementation group G; minus strand). Cytogenetic location: 9p13.3.
Variant type: single nucleotide variant.
Coding change: c.1433+5G>T on transcript NM_004629.2 (MANE Select); 5 bases into the intron after coding-DNA position 1433, G replaced by T.
Molecular consequence: intron variant.
Genome position (GRCh38, 1-based): chr9:35,075,460, C>A on the plus strand (G>T on the coding strand, the complement: FANCG is on the minus strand). VCF-style: chr9-35075460-C-A. GRCh37 (hg19) VCF-style: chr9-35075457-C-A.
Identifiers: ClinVar variation 2885754 (VCV002885754.3), dbSNP rs1307031368, ClinGen allele CA587569109.

ClinVar aggregate classification (germline): Uncertain significance (1 of 4 stars; one submission).

Conditions:
Fanconi anemia (FA). Also called: Fanconi's anemia. Identifiers: Orphanet 84, MedGen C0015625, MeSH D005199, MONDO:0019391.

Allele frequency attached by ClinVar (database versions not stated): gnomAD exomes below 0.00001.

Submission:

Labcorp Genetics (formerly Invitae), Labcorp
Classification: Uncertain significance for Fanconi anemia. Last evaluated: 2023-11-08. Review status: criteria provided, single submitter. Criteria: Invitae Variant Classification Sherloc (09022015). Collection method: clinical testing. Allele origin: germline.
Comment: This sequence change falls in intron 10 of the FANCG gene. It does not directly change the encoded amino acid sequence of the FANCG protein. It affects a nucleotide within the consensus splice site. This variant is present in population databases (no rsID available, gnomAD 0.01%). This variant has not been reported in the literature in individuals affected with FANCG-related conditions. Variants that disrupt the consensus splice site are a relatively common cause of aberrant splicing (PMID: 17576681, 9536098). Algorithms developed to predict the effect of sequence changes on RNA splicing suggest that this variant may disrupt the consensus splice site. In summary, the available evidence is currently insufficient to determine the role of this variant in disease. Therefore, it has been classified as a Variant of Uncertain Significance.

Literature cited by the submitters: PubMed 17576681; PubMed 9536098.